The following is an entry in ClinVar:

ClinVar aggregate classification (germline): Uncertain significance (1 of 4 stars; one submission).

Submission:

Labcorp Genetics (formerly Invitae), Labcorp
Classification: Uncertain significance. Last evaluated: 2022-02-21. Review status: criteria provided, single submitter. Criteria: Invitae Variant Classification Sherloc (09022015). Collection method: clinical testing. Allele origin: germline.
Comment: This sequence change replaces alanine, which is neutral and non-polar, with valine, which is neutral and non-polar, at codon 602 of the TNNI3K protein (p.Ala602Val). This variant is not present in population databases (gnomAD no frequency). This variant has not been reported in the literature in individuals affected with TNNI3K-related conditions. Algorithms developed to predict the effect of missense changes on protein structure and function (SIFT, PolyPhen-2, Align-GVGD) all suggest that this variant is likely to be disruptive. In summary, the available evidence is currently insufficient to determine the role of this variant in disease. Therefore, it has been classified as a Variant of Uncertain Significance.

NM_015978.3(TNNI3K):c.1805C>T (p.Ala602Val)

Genes: FPGT-TNNI3K (FPGT-TNNI3K readthrough; plus strand), TNNI3K (TNNI3 interacting kinase; plus strand). Cytogenetic location: 1p31.1.
Variant type: single nucleotide variant.
Coding change: c.1805C>T on transcript NM_015978.3 (MANE Select); coding-DNA position 1805, C replaced by T.
Protein change: p.Ala602Val; replaces alanine 602 with valine.
Molecular consequence: missense variant.
Genome position (GRCh38, 1-based): chr1:74,436,112, C>T. VCF-style: chr1-74436112-C-T. GRCh37 (hg19) VCF-style: chr1-74901796-C-T.
Other names: c.2108C>T, p.Ala703Val (NM_001112808.3, NM_001199327.2); short protein forms A703V, A602V.
Identifiers: ClinVar variation 2101372 (VCV002101372.4), dbSNP rs1666115690, ClinGen allele CA340788772.
Genomic context (GRCh38, chr1:74,436,112, plus strand): 5'-CTACTTTTTTTTTTTTTTTTTTTTACAGTCACAATATTCTTCTCTATGAGGATGGGCATG[C>T]TGTGGTGGCAGATTTTGGAGGTGAGATACCCCAAAATGGCATCCTTTTTTTCTTTGTTCC-3'
Protein context (NP_057062.1, residues 592-612): HNILLYEDGH[Ala602Val]VVADFGESRF